The following is an entry in ClinVar:

NM_024642.5(GALNT12):c.187C>T (p.Pro63Ser)

Gene: GALNT12 (polypeptide N-acetylgalactosaminyltransferase 12; plus strand). Cytogenetic location: 9q22.33.
Variant type: single nucleotide variant.
Coding change: c.187C>T on transcript NM_024642.5 (MANE Select); coding-DNA position 187, C replaced by T.
Protein change: p.Pro63Ser; replaces proline 63 with serine.
Molecular consequence: missense variant.
Genome position (GRCh38, 1-based): chr9:98,807,885, C>T. VCF-style: chr9-98807885-C-T. GRCh37 (hg19) VCF-style: chr9-101570167-C-T.
Other names: short protein forms P63S.
Identifiers: ClinVar variation 5022128 (VCV005022128.1).

ClinVar aggregate classification (germline): Uncertain significance (1 of 4 stars; one submission).

Submission:

Ambry Genetics
Classification: Uncertain significance. Last evaluated: 2026-06-15. Review status: criteria provided, single submitter. Criteria: Ambry Variant Classification Scheme 2023. Collection method: clinical testing. Allele origin: germline.
Comment: The p.P63S variant (also known as c.187C>T), located in coding exon 1 of the GALNT12 gene, results from a C to T substitution at nucleotide position 187. The proline at codon 63 is replaced by serine, an amino acid with similar properties. This amino acid position is conserved. In addition, this alteration is predicted to be tolerated by in silico analysis. Based on the available evidence, the clinical significance of this variant remains unclear.